The following is an entry in ClinVar:

NM_005732.4(RAD50):c.2947G>A (p.Val983Ile)

Gene: RAD50 (RAD50 double strand break repair protein; plus strand). Cytogenetic location: 5q31.1.
Variant type: single nucleotide variant.
Coding change: c.2947G>A on transcript NM_005732.4 (MANE Select); coding-DNA position 2947, G replaced by A.
Protein change: p.Val983Ile; replaces valine 983 with isoleucine.
Molecular consequence: missense variant.
Genome position (GRCh38, 1-based): chr5:132,609,307, G>A. VCF-style: chr5-132609307-G-A. GRCh37 (hg19) VCF-style: chr5-131944999-G-A.
Other names: short protein forms V983I.
Identifiers: ClinVar variation 850687 (VCV000850687.12), dbSNP rs1751043155, ClinGen allele CA360960367.

ClinVar aggregate classification (germline): Uncertain significance. Review status: criteria provided, multiple submitters, no conflicts (2 of 4 stars). 2 submissions from 2 submitters: Uncertain significance (2). Last evaluated 2022-01-18.

Conditions:
Hereditary cancer-predisposing syndrome. Also called: Tumor predisposition; Neoplastic Syndromes, Hereditary; Hereditary neoplastic syndrome; Hereditary Cancer Syndrome. Identifiers: Orphanet 140162, MedGen C0027672, MeSH D009386, MONDO:0015356.

Submissions (2):

Labcorp Genetics (formerly Invitae), Labcorp
Classification: Uncertain significance for Hereditary cancer-predisposing syndrome. Last evaluated: 2022-01-18. Review status: criteria provided, single submitter. Criteria: Invitae Variant Classification Sherloc (09022015). Collection method: clinical testing. Allele origin: germline.
Comment: ClinVar contains an entry for this variant (Variation ID: 850687). In summary, the available evidence is currently insufficient to determine the role of this variant in disease. Therefore, it has been classified as a Variant of Uncertain Significance. Algorithms developed to predict the effect of missense changes on protein structure and function output the following: SIFT: "Tolerated"; PolyPhen-2: "Benign"; Align-GVGD: "Class C0". The isoleucine amino acid residue is found in multiple mammalian species, which suggests that this missense change does not adversely affect protein function. This variant has not been reported in the literature in individuals affected with RAD50-related conditions. This variant is not present in population databases (gnomAD no frequency). This sequence change replaces valine, which is neutral and non-polar, with isoleucine, which is neutral and non-polar, at codon 983 of the RAD50 protein (p.Val983Ile).

Ambry Genetics
Classification: Uncertain significance for Hereditary cancer-predisposing syndrome. Last evaluated: 2015-06-09. Review status: criteria provided, single submitter. Criteria: Ambry Variant Classification Scheme 2023. Collection method: clinical testing. Allele origin: germline.
Comment: The p.V983I variant (also known as c.2947G>A), located in coding exon 19 of the RAD50 gene, results from a G to A substitution at nucleotide position 2947. The valine at codon 983 is replaced by isoleucine, an amino acid with highly similar properties. This variant was not reported in population based cohorts in the following databases: Database of Single Nucleotide Polymorphisms (dbSNP), NHLBI Exome Sequencing Project (ESP), and 1000 Genomes Project. In the ESP, this variant was not observed in 6495 samples (12990 alleles) with coverage at this position. To date, this alteration has been detected with an allele frequency of approximately 0.002% (greater than 65000 alleles tested) in our clinical cohort. This amino acid position is not well conserved in available vertebrate species. In addition, this alteration is predicted to be tolerated by in silico analysis. Since supporting evidence is limited at this time, the clinical significance of p.V983I remains unclear.